The following is an entry in ClinVar:

ClinVar aggregate classification (germline): Likely pathogenic (1 of 4 stars; one submission).

Conditions:
GRACILE syndrome (FLNMS). Also called: FELLMAN SYNDROME; FINNISH LETHAL NEONATAL METABOLIC SYNDROME. Identifiers: Orphanet 53693, MedGen C1864002, MONDO:0011308, OMIM 603358.

Submission:

Women's Health and Genetics/Laboratory Corporation of America, LabCorp
Classification: Likely pathogenic for GRACILE syndrome. Last evaluated: 2022-09-01. Review status: criteria provided, single submitter. Criteria: LabCorp Variant Classification Summary - May 2015. Collection method: clinical testing. Allele origin: germline.
Comment: Variant summary: BCS1L c.1186delG (p.Val396CysfsX13) results in a premature termination codon located in exon 9 (i.e. in the last exon) that is not expected to cause nonsense mediated decay (NMD), but is predicted to cause a truncation of the encoded protein, removing a part of the 419 amino acid long protein. Truncations downstream of this position have been reported in individuals presenting with typical symptoms that belong to the spectrum of BCS1L-related disorders (HGMD). The variant allele was found at a frequency of 4e-06 in 251454 control chromosomes. To our knowledge, no occurrence of c.1186delG in individuals affected with GRACILE Syndrome and no experimental evidence demonstrating its impact on protein function have been reported. No clinical diagnostic laboratories have submitted clinical-significance assessments for this variant to ClinVar after 2014. Based on the evidence outlined above, the variant was classified as likely pathogenic.

NM_001079866.2(BCS1L):c.1186del (p.Val396fs)

Gene: BCS1L (BCS1 ubiquinol-cytochrome c reductase complex chaperone; plus strand). Cytogenetic location: 2q35.
Variant type: Deletion.
Coding change: c.1186del on transcript NM_001079866.2 (MANE Select); coding-DNA position 1186, one base deleted (G; older notation c.1186delG).
Protein change: p.Val396fs; shifts the reading frame from valine 396.
Molecular consequence: frameshift variant. On other transcripts: non-coding transcript variant (1).
Genome position (GRCh38, 1-based): chr2:218,663,312, G deleted; the last of 2 consecutive G bases (chr2:218,663,311-218,663,312); deleting either gives the same sequence. VCF-style (leftmost placement, unchanged base first): chr2-218663310-AG-A. GRCh37 (hg19) VCF-style: chr2-219528033-AG-A.
Other names: c.1186del, p.Val396fs (NM_001257342.2, NM_001257343.2, NM_001257344.2 and 10 more transcripts); c.826del, p.Val276fs (NM_001318836.2, NM_001371451.1); c.685del, p.Val229fs (NM_001371452.1, NM_001371453.1, NM_001371454.1 and 3 more transcripts); short protein forms V229fs, V276fs, V396fs.
Identifiers: ClinVar variation 1722398 (VCV001722398.1), dbSNP rs753115642, ClinGen allele CA2109852.
Genomic context (GRCh38, chr2:218,663,310, plus strand): 5'-CCTTAGCTGAGAACTTTGCAGAACATGTCCTTCGAGCTACAAACCAGATCAGTCCTGCCC[AG>A]GTGCAGGGCTACTTCATGCTGTATAAAAATGACCCTGTAGGGGCAATTCACAATGCTGAG-3'